The following is an entry in ClinVar:

NM_144701.3(IL23R):c.1169T>G (p.Leu390Trp)

Gene: IL23R (interleukin 23 receptor; plus strand). Cytogenetic location: 1p31.3.
Variant type: single nucleotide variant.
Coding change: c.1169T>G on transcript NM_144701.3 (MANE Select); coding-DNA position 1169, T replaced by G.
Protein change: p.Leu390Trp; replaces leucine 390 with tryptophan.
Molecular consequence: missense variant.
Genome position (GRCh38, 1-based): chr1:67,255,857, T>G. VCF-style: chr1-67255857-T-G. GRCh37 (hg19) VCF-style: chr1-67721540-T-G.
Other names: short protein forms L390W.
Identifiers: ClinVar variation 2002408 (VCV002002408.4), dbSNP rs761242932, ClinGen allele CA899963.

ClinVar aggregate classification (germline): Uncertain significance (1 of 4 stars; one submission).

Allele frequency attached by ClinVar (database versions not stated): ExAC 0.00002.

Submission:

Labcorp Genetics (formerly Invitae), Labcorp
Classification: Uncertain significance. Last evaluated: 2023-08-03. Review status: criteria provided, single submitter. Criteria: Invitae Variant Classification Sherloc (09022015). Collection method: clinical testing. Allele origin: germline.
Comment: Algorithms developed to predict the effect of missense changes on protein structure and function output the following: SIFT: "Not Available"; PolyPhen-2: "Benign"; Align-GVGD: "Not Available". The tryptophan amino acid residue is found in multiple mammalian species, which suggests that this missense change does not adversely affect protein function. ClinVar contains an entry for this variant (Variation ID: 2002408). This variant has not been reported in the literature in individuals affected with IL23R-related conditions. This variant is present in population databases (rs761242932, gnomAD 0.002%). This sequence change replaces leucine, which is neutral and non-polar, with tryptophan, which is neutral and slightly polar, at codon 390 of the IL23R protein (p.Leu390Trp). In summary, the available evidence is currently insufficient to determine the role of this variant in disease. Therefore, it has been classified as a Variant of Uncertain Significance.